The following is an entry in ClinVar:

NM_017947.4(MOCOS):c.633C>A (p.Tyr211Ter)

Gene: MOCOS (molybdenum cofactor sulfurase; plus strand). Cytogenetic location: 18q12.2.
Variant type: single nucleotide variant.
Coding change: c.633C>A on transcript NM_017947.4 (MANE Select); coding-DNA position 633, C replaced by A.
Protein change: p.Tyr211Ter; replaces tyrosine 211 with a stop codon.
Molecular consequence: nonsense.
Genome position (GRCh38, 1-based): chr18:36,200,016, C>A. VCF-style: chr18-36200016-C-A. GRCh37 (hg19) VCF-style: chr18-33779979-C-A.
Other names: short protein forms Y211*.
Identifiers: ClinVar variation 870592 (VCV000870592.5), dbSNP rs2091405838, ClinGen allele CA402214332.
Genomic context (GRCh38, chr18:36,200,016, plus strand): 5'-CTGCCAGCTGCCGCATCTCTTCTGCTACCCAGCTCAGAGTAACTTTTCTGGAGTCAGATA[C>A]CCCCTGTCCTGGATAGAAGAGGTCAAGTCTGGGCGGTTGCACCCTGTGAGCACGCCTGGG-3'

ClinVar aggregate classification (germline): Uncertain significance (1 of 4 stars; one submission).

Conditions:
Primary hyperoxaluria. Identifiers: Orphanet 416, MedGen C0020501, MONDO:0002474.

Allele frequency attached by ClinVar (database versions not stated): gnomAD exomes below 0.00001.

Submission:

Diagnostics Services (NGS), CSIR - Centre For Cellular And Molecular Biology
Classification: Uncertain significance for Primary hyperoxaluria. Last evaluated: 2020-04-03. Review status: criteria provided, single submitter. Criteria: ACMG Guidelines, 2015. Collection method: clinical testing. Allele origin: unknown. Affected: yes. Observed: 1 homozygote.
Comment: Homozygous or compound heterozygous variations in MOCOS gene (MIM*613274) are known to cause autosomal recessive xanthinuria type II (MIM#603592). Xanthinuria type II is an autosomal recessive inborn error of metabolism resulting from a defect in the synthesis of the molybdenum cofactor, which is necessary for the 2 enzymes that degrade xanthine, XDH (MIM*607633) and AOX1 (MIM*602841). Most individuals with type II xanthinuria are asymptomatic, but some develop urinary tract calculi, acute renal failure or myositis due to tissue deposition of xanthine. Laboratory studies show increased serum and urinary hypoxanthine and xanthine and decreased serum and urinary uric acid [Ichida et al., Biophys Res Commun 2001]. The variant is not present in publicly available databases like 1000 Genomes, Exome Variant Server (EVS), Exome Aggregation Consortium (ExAC), Genome Aggregation Database (gnomAD) and dbSNP. The variant is not present in our in-house exome database. The variant was not reported to OMIM, Human Genome Mutation Database (HGMD) or ClinVar databases in any affected individuals. In-silico pathogenicity prediction programs like MutationTaster2, CADD, InterVar etc. predicted this variant to be likely deleterious. Considering the phenotype of the patient the variant has been classified as uncertain significance.